The following is an entry in ClinVar:

NM_002645.4(PIK3C2A):c.17G>T (p.Ser6Ile)

Gene: PIK3C2A (phosphatidylinositol-4-phosphate 3-kinase catalytic subunit type 2 alpha; minus strand). Cytogenetic location: 11p15.1.
Variant type: single nucleotide variant.
Coding change: c.17G>T on transcript NM_002645.4 (MANE Select); coding-DNA position 17, G replaced by T.
Protein change: p.Ser6Ile; replaces serine 6 with isoleucine.
Molecular consequence: missense variant. On other transcripts: intron variant (1).
Genome position (GRCh38, 1-based): chr11:17,169,725, C>A on the plus strand (G>T on the coding strand, the complement: PIK3C2A is on the minus strand). VCF-style: chr11-17169725-C-A. GRCh37 (hg19) VCF-style: chr11-17191272-C-A.
Other names: c.17G>T, p.Ser6Ile (NM_001321378.2, NM_001386870.1); c.-75-14096G>T (NM_001321380.2); short protein forms S6I.
Identifiers: ClinVar variation 4738655 (VCV004738655.1).

ClinVar aggregate classification (germline): Uncertain significance (1 of 4 stars; one submission).

Submission:

Labcorp Genetics (formerly Invitae), Labcorp
Classification: Uncertain significance. Last evaluated: 2026-02-01. Review status: criteria provided, single submitter. Criteria: Invitae Variant Classification Sherloc (09022015). Collection method: clinical testing. Allele origin: germline.
Comment: This sequence change replaces serine, which is neutral and polar, with isoleucine, which is neutral and non-polar, at codon 6 of the PIK3C2A protein (p.Ser6Ile). This variant is not present in population databases (gnomAD no frequency). This variant has not been reported in the literature in individuals affected with PIK3C2A-related conditions. An algorithm developed to predict the effect of missense changes on protein structure and function (PolyPhen-2) suggests that this variant is likely to be disruptive. In summary, the available evidence is currently insufficient to determine the role of this variant in disease. Therefore, it has been classified as a Variant of Uncertain Significance.